The following is an entry in ClinVar:

NM_000081.4(LYST):c.10392A>G (p.Ile3464Met)

Gene: LYST (lysosomal trafficking regulator; minus strand). Cytogenetic location: 1q42.3.
Variant type: single nucleotide variant.
Coding change: c.10392A>G on transcript NM_000081.4 (MANE Select); coding-DNA position 10392, A replaced by G.
Protein change: p.Ile3464Met; replaces isoleucine 3464 with methionine.
Molecular consequence: missense variant.
Genome position (GRCh38, 1-based): chr1:235,697,255, T>C on the plus strand (A>G on the coding strand, the complement: LYST is on the minus strand). VCF-style: chr1-235697255-T-C. GRCh37 (hg19) VCF-style: chr1-235860555-T-C.
Other names: c.10392A>G, p.Ile3464Met (NM_001301365.1); short protein forms I3464M.
Identifiers: ClinVar variation 525154 (VCV000525154.5), dbSNP rs1661186047, ClinGen allele CA344929439.

ClinVar aggregate classification (germline): Uncertain significance (1 of 4 stars; one submission).

Conditions:
Chédiak-Higashi syndrome (CHS). Also called: Chediak-Higashi Syndrome. Identifiers: Orphanet 167, MedGen C0007965, MONDO:0008963, OMIM 214500.

Allele frequency attached by ClinVar (database versions not stated): gnomAD exomes 0.00001; TOPMed 0.00001.
gnomAD v4.1: 8 of 1,613,846 alleles (0.0005%); highest among the groups gnomAD compares: Non-Finnish European, 0.00068%; no homozygotes.

Submission:

Labcorp Genetics (formerly Invitae), Labcorp
Classification: Uncertain significance for Chédiak-Higashi syndrome. Last evaluated: 2023-06-16. Review status: criteria provided, single submitter. Criteria: Invitae Variant Classification Sherloc (09022015). Collection method: clinical testing. Allele origin: germline.
Comment: In summary, the available evidence is currently insufficient to determine the role of this variant in disease. Therefore, it has been classified as a Variant of Uncertain Significance. Advanced modeling of protein sequence and biophysical properties (such as structural, functional, and spatial information, amino acid conservation, physicochemical variation, residue mobility, and thermodynamic stability) performed at Invitae indicates that this missense variant is expected to disrupt LYST protein function. ClinVar contains an entry for this variant (Variation ID: 525154). This variant has not been reported in the literature in individuals affected with LYST-related conditions. This variant is not present in population databases (gnomAD no frequency). This sequence change replaces isoleucine, which is neutral and non-polar, with methionine, which is neutral and non-polar, at codon 3464 of the LYST protein (p.Ile3464Met).